The following is an entry in ClinVar:

ClinVar aggregate classification (germline): Likely benign. Review status: criteria provided, multiple submitters, no conflicts (2 of 4 stars). 4 submissions from 4 submitters: Likely benign (3). 1 of the submissions does not count toward it. Last evaluated 2026-01-22.

Conditions:
AUTS2-related disorder. Also called: AUTS2-related condition.
Inborn genetic diseases. Identifiers: MedGen C0950123, MeSH D030342.

Allele frequency attached by ClinVar (database versions not stated): gnomAD 0.00001; TOPMed 0.00004; gnomAD exomes 0.00017 and 0.00003; ExAC 0.00015; 1000 Genomes Project 30x 0.00016; 1000 Genomes Project 0.00020.
gnomAD v4.1: 52 of 1,614,156 alleles (0.0032%); highest among the groups gnomAD compares: Admixed American, 0.07%; no homozygotes.

Submissions (4):

Labcorp Genetics (formerly Invitae), Labcorp
Classification: Likely benign. Last evaluated: 2026-01-22. Review status: criteria provided, single submitter. Criteria: Invitae Variant Classification Sherloc (09022015). Collection method: clinical testing. Allele origin: germline.

Ambry Genetics
Classification: Likely benign for Inborn genetic diseases. Last evaluated: 2023-12-20. Review status: criteria provided, single submitter. Criteria: Ambry Variant Classification Scheme 2023. Collection method: clinical testing. Allele origin: germline.

GeneDx
Classification: Likely benign. Last evaluated: 2020-11-30. Review status: criteria provided, single submitter. Criteria: GeneDx Variant Classification Process June 2021. Collection method: clinical testing. Allele origin: germline. Affected: yes.

PreventionGenetics, part of Exact Sciences
Classification: Likely benign for AUTS2-related condition. Last evaluated: 2022-04-21. Review status: no assertion criteria provided. Collection method: clinical testing. Allele origin: germline. Not counted in ClinVar's aggregate classification.
Comment: This variant is classified as likely benign based on ACMG/AMP sequence variant interpretation guidelines (Richards et al. 2015 PMID: 25741868, with internal and published modifications).

NM_015570.4(AUTS2):c.2276A>G (p.Asn759Ser)

Gene: AUTS2 (activator of transcription and developmental regulator AUTS2; plus strand). Cytogenetic location: 7q11.22.
Variant type: single nucleotide variant.
Coding change: c.2276A>G on transcript NM_015570.4 (MANE Select); coding-DNA position 2276, A replaced by G.
Protein change: p.Asn759Ser; replaces asparagine 759 with serine.
Molecular consequence: missense variant.
Genome position (GRCh38, 1-based): chr7:70,786,006, A>G. VCF-style: chr7-70786006-A-G. GRCh37 (hg19) VCF-style: chr7-70250992-A-G.
Other names: c.2204A>G, p.Asn735Ser (NM_001127231.3); short protein forms N735S, N759S.
Identifiers: ClinVar variation 767618 (VCV000767618.13), dbSNP rs201229021, ClinGen allele CA4281001.
Genomic context (GRCh38, chr7:70,786,006, plus strand): 5'-TGTTTGCAGAGCCTTTTAATCGGCCGTCTACATTCACAGGCCTAGCAGCAGTTGGTGGCA[A>G]TGCCTTCGGGGGACTTGGAAATCCTTCCGTTAGTGAGTACCTCTAACTTTTAAAAATCTG-3'
Protein context (NP_056385.1, residues 749-769): TFTGLAAVGG[Asn759Ser]AFGGLGNPSV